The following is an entry in ClinVar:

NM_003072.5(SMARCA4):c.4888G>A (p.Asp1630Asn)

Gene: SMARCA4 (SWI/SNF related BAF chromatin remodeling complex subunit ATPase 4; plus strand). Cytogenetic location: 19p13.2.
Variant type: single nucleotide variant.
Coding change: c.4888G>A on transcript NM_003072.5 (MANE Select); coding-DNA position 4888, G replaced by A.
Protein change: p.Asp1630Asn; replaces aspartic acid 1630 with asparagine.
Molecular consequence: missense variant. On other transcripts: non-coding transcript variant (1).
Genome position (GRCh38, 1-based): chr19:11,060,164, G>A. VCF-style: chr19-11060164-G-A. GRCh37 (hg19) VCF-style: chr19-11170840-G-A.
Other names: c.4888G>A, p.Asp1630Asn (NM_001128844.3); c.4798G>A, p.Asp1600Asn (NM_001128845.2); c.4795G>A, p.Asp1599Asn (NM_001128846.2); c.4789G>A, p.Asp1597Asn (NM_001128847.4, NM_001374457.1); c.4786G>A, p.Asp1596Asn (NM_001128848.2); c.4984G>A, p.Asp1662Asn (NM_001128849.3); short protein forms D1597N, D1600N, D1599N, D1596N, D1630N, D1662N.
Identifiers: ClinVar variation 825343 (VCV000825343.6), dbSNP rs1600649515, ClinGen allele CA404080931.

ClinVar aggregate classification (germline): Uncertain significance. Review status: criteria provided, multiple submitters, no conflicts (2 of 4 stars). 2 submissions from 2 submitters: Uncertain significance (2). Last evaluated 2025-11-01.

Conditions:
SMARCA4-related disorder. Also called: SMARCA4-related condition.
Hereditary cancer-predisposing syndrome. Also called: Neoplastic Syndromes, Hereditary; Hereditary Cancer Syndrome; Tumor predisposition; Hereditary neoplastic syndrome. Identifiers: Orphanet 140162, MedGen C0027672, MeSH D009386, MONDO:0015356.

Allele frequency attached by ClinVar (database versions not stated): gnomAD exomes below 0.00001.
gnomAD v4.1: 3 of 1,551,152 alleles (0.00019%); highest among the groups gnomAD compares: African/African-American, 0.0027%; no homozygotes.

Submissions (2):

Ambry Genetics
Classification: Uncertain significance for Hereditary cancer-predisposing syndrome. Last evaluated: 2025-11-01. Review status: criteria provided, single submitter. Criteria: Ambry Variant Classification Scheme 2023. Collection method: clinical testing. Allele origin: germline.
Comment: The p.D1662N variant (also known as c.4984G>A), located in coding exon 34 of the SMARCA4 gene, results from a G to A substitution at nucleotide position 4984. The aspartic acid at codon 1662 is replaced by asparagine, an amino acid with highly similar properties. This amino acid position is highly conserved in available vertebrate species. In addition, this alteration is predicted to be tolerated by in silico analysis. Since supporting evidence is limited at this time, the clinical significance of this alteration remains unclear.

PreventionGenetics, part of Exact Sciences
Classification: Uncertain significance for SMARCA4-related condition. Last evaluated: 2024-12-20. Review status: criteria provided, single submitter. Criteria: ACMG Guidelines, 2015. Collection method: clinical testing. Allele origin: germline.
Comment: The SMARCA4 c.4984G>A variant is predicted to result in the amino acid substitution p.Asp1662Asn. To our knowledge, this variant has not been reported in the literature or in a large population database (gnomAD), indicating this variant is rare. At this time, the clinical significance of this variant is uncertain due to the absence of conclusive functional and genetic evidence.